The following is an entry in ClinVar:

ClinVar aggregate classification (germline): Conflicting classifications of pathogenicity. Review status: criteria provided, conflicting classifications (1 of 4 stars). 5 submissions from 5 submitters: Pathogenic (2); Likely pathogenic (1); Uncertain significance (1). 1 of the submissions does not count toward it. Last evaluated 2024-06-10.

Conditions:
Arthrogryposis, distal, type 2B3. Also called: Arthrogryposis, distal, type 2B3 (Sheldon-Hall). Identifiers: MedGen C5193098, MONDO:0032751, OMIM 618436.
Contractures, pterygia, and spondylocarpotarsal fusion syndrome 1A (CPSFS1A). Also called: MULTIPLE PTERYGIUM SYNDROME, AUTOSOMAL DOMINANT; Distal arthrogryposis type 8; Contractures, pterygia, and variable skeletal fusions syndrome 1A. Identifiers: Orphanet 65743, MedGen C1867440, MONDO:0008338, OMIM 178110.
Distal arthrogryposis type 2B1 (DA2B1). Also called: Arthrogryposis multiplex congenita distal type II with craniofacial abnormalities. Identifiers: Orphanet 1147, MedGen C5193014, MONDO:0020820, OMIM 601680.
Freeman-Sheldon syndrome (DA2A). Also called: CRANIOCARPOTARSAL DYSPLASIA; CRANIOCARPOTARSAL DYSTROPHY; Arthrogryposis, distal, type 2A (Freeman-Sheldon); WHISTLING FACE-WINDMILL VANE HAND SYNDROME. Identifiers: Orphanet 2053, MedGen C0265224, MONDO:0008675, OMIM 193700.
MYH3-related disorder. Also called: MYH3-Related Disorders; MYH3-related condition. Identifiers: MedGen CN239329.

Allele frequency attached by ClinVar (database versions not stated): ExAC 0.00001; gnomAD 0.00001.
gnomAD v4.1: 2 of 1,613,930 alleles (0.00012%); highest among the groups gnomAD compares: Non-Finnish European, 0.00017%; no homozygotes.

Submissions (5):

GeneDx
Classification: Pathogenic. Last evaluated: 2024-06-10. Review status: criteria provided, single submitter. Criteria: GeneDx Variant Classification Process June 2021. Collection method: clinical testing. Allele origin: germline. Affected: yes.
Comment: Published functional studies using a Drosophila model demonstrate disrupted myofibril assembly and stability, limited viability, and hindered flight and jump ability of the transgenic flies (PMID: 32799913); In silico analysis supports that this missense variant has a deleterious effect on protein structure/function; Not observed at significant frequency in large population cohorts (gnomAD); This variant is associated with the following publications: (PMID: 23401156, 22519952, 18695058, 32799913)

Labcorp Genetics (formerly Invitae), Labcorp
Classification: Uncertain significance. Last evaluated: 2024-02-17. Review status: criteria provided, single submitter. Criteria: Invitae Variant Classification Sherloc (09022015). Collection method: clinical testing. Allele origin: germline.
Comment: This sequence change replaces alanine, which is neutral and non-polar, with threonine, which is neutral and polar, at codon 234 of the MYH3 protein (p.Ala234Thr). This variant is not present in population databases (gnomAD no frequency). This missense change has been observed in individual(s) with clinical features of distal arthrogryposis (PMID: 18695058). ClinVar contains an entry for this variant (Variation ID: 14145). Advanced modeling of protein sequence and biophysical properties (such as structural, functional, and spatial information, amino acid conservation, physicochemical variation, residue mobility, and thermodynamic stability) has been performed at Invitae for this missense variant, however the output from this modeling did not meet the statistical confidence thresholds required to predict the impact of this variant on MYH3 protein function. In summary, the available evidence is currently insufficient to determine the role of this variant in disease. Therefore, it has been classified as a Variant of Uncertain Significance.

Blueprint Genetics
Classification: Pathogenic for MYH3-related disorders. Last evaluated: 2022-05-23. Review status: criteria provided, single submitter. Criteria: ACMG Guidelines, 2015. Collection method: clinical testing. Allele origin: germline. Affected: yes. Observed: 1 variant allele.

Fulgent Genetics
Classification: Likely pathogenic for Contractures, pterygia, and spondylocarpotarsal fusion syndrome 1A; Freeman-Sheldon syndrome; Distal arthrogryposis type 2B1. Last evaluated: 2018-10-31. Review status: criteria provided, single submitter. Criteria: ACMG Guidelines, 2015. Collection method: clinical testing. Allele origin: unknown.

OMIM
Classification: Pathogenic for ARTHROGRYPOSIS, DISTAL, TYPE 2B3. Last evaluated: 2008-08-01. Review status: no assertion criteria provided. Collection method: literature only. Allele origin: germline. Not counted in ClinVar's aggregate classification.

Literature cited by the submitters: PubMed 18695058 (cited by Labcorp Genetics (formerly Invitae), Labcorp and OMIM).

NM_002470.4(MYH3):c.700G>A (p.Ala234Thr)

Gene: MYH3 (myosin heavy chain 3; minus strand). Cytogenetic location: 17p13.1.
Variant type: single nucleotide variant.
Coding change: c.700G>A on transcript NM_002470.4 (MANE Select); coding-DNA position 700, G replaced by A.
Protein change: p.Ala234Thr; replaces alanine 234 with threonine.
Molecular consequence: missense variant.
Genome position (GRCh38, 1-based): chr17:10,648,592, C>T on the plus strand (G>A on the coding strand, the complement: MYH3 is on the minus strand). VCF-style: chr17-10648592-C-T. GRCh37 (hg19) VCF-style: chr17-10551909-C-T.
Other names: short protein forms A234T.
Identifiers: ClinVar variation 14145 (VCV000014145.8), dbSNP rs121913623, ClinGen allele CA123762.